The following is an entry in ClinVar:

ClinVar aggregate classification (germline): Uncertain significance (1 of 4 stars; one submission).

Conditions:
Spastic paraplegia. Identifiers: MedGen C0037772, HP:0001258.

Allele frequency attached by ClinVar (database versions not stated): TOPMed below 0.00001.
gnomAD v4.1: 1 of 1,613,812 alleles (0.000062%); highest among the groups gnomAD compares: Non-Finnish European, 0.000085%; no homozygotes.

Submission:

Labcorp Genetics (formerly Invitae), Labcorp
Classification: Uncertain significance for Spastic paraplegia. Last evaluated: 2024-04-06. Review status: criteria provided, single submitter. Criteria: Invitae Variant Classification Sherloc (09022015). Collection method: clinical testing. Allele origin: germline.
Comment: This sequence change replaces aspartic acid, which is acidic and polar, with glutamic acid, which is acidic and polar, at codon 1009 of the KIF5A protein (p.Asp1009Glu). This variant is present in population databases (no rsID available, gnomAD 0.0009%). This variant has not been reported in the literature in individuals affected with KIF5A-related conditions. Advanced modeling of protein sequence and biophysical properties (such as structural, functional, and spatial information, amino acid conservation, physicochemical variation, residue mobility, and thermodynamic stability) performed at Invitae indicates that this missense variant is not expected to disrupt KIF5A protein function with a negative predictive value of 95%. In summary, the available evidence is currently insufficient to determine the role of this variant in disease. Therefore, it has been classified as a Variant of Uncertain Significance.

NM_004984.4(KIF5A):c.3027C>G (p.Asp1009Glu)

Gene: KIF5A (kinesin family member 5A; plus strand). Cytogenetic location: 12q13.3.
Variant type: single nucleotide variant.
Coding change: c.3027C>G on transcript NM_004984.4 (MANE Select); coding-DNA position 3027, C replaced by G.
Protein change: p.Asp1009Glu; replaces aspartic acid 1009 with glutamic acid.
Molecular consequence: missense variant.
Genome position (GRCh38, 1-based): chr12:57,583,107, C>G. VCF-style: chr12-57583107-C-G. GRCh37 (hg19) VCF-style: chr12-57976890-C-G.
Other names: c.2760C>G, p.Asp920Glu (NM_001354705.2); short protein forms D1009E, D920E.
Identifiers: ClinVar variation 2779327 (VCV002779327.3), dbSNP rs1349876246, ClinGen allele CA385517290.
Genomic context (GRCh38, chr12:57,583,107, plus strand): 5'-GACAGGAATACTTTAATTTCTATGGAGCTGATCATGGTGGGTCTCTTCCTCCAGGAGTGA[C>G]CTGCCGTGTGGCTATGAGGCTGAGGACCAGGCCAAGCTTTTCCCTCTCCACCAAGAGACA-3'
Protein context (NP_004975.2, residues 999-1019): NATDINDNRS[Asp1009Glu]LPCGYEAEDQ